The following is an entry in ClinVar:

ClinVar aggregate classification (germline): Uncertain significance (1 of 4 stars; one submission).

Conditions:
6-Pyruvoyl-tetrahydrobiopterin synthase deficiency. Also called: PTS-Related Tetrahydrobiopterin Deficiency; BH4-deficient hyperphenylalaninemia A; PTS DEFICIENCY; 6-Pyruvoyltetrahydropterin Synthase Deficiency; HYPERPHENYLALANINEMIA, TETRAHYDROBIOPTERIN-DEFICIENT, DUE TO PTS DEFICIENCY; Hyperphenylalanemia, BH4-deficient, A. Identifiers: Orphanet 13, Orphanet 238583, MedGen C0878676, MONDO:0009863, OMIM 261640.

Allele frequency attached by ClinVar (database versions not stated): gnomAD 0.00001; gnomAD exomes 0.00001.
gnomAD v4.1: 13 of 1,609,496 alleles (0.00081%); highest among the groups gnomAD compares: African/African-American, 0.0013%; no homozygotes.

Submission:

Labcorp Genetics (formerly Invitae), Labcorp
Classification: Uncertain significance for 6-Pyruvoyl-tetrahydrobiopterin synthase deficiency. Last evaluated: 2022-01-03. Review status: criteria provided, single submitter. Criteria: Invitae Variant Classification Sherloc (09022015). Collection method: clinical testing. Allele origin: germline.
Comment: This sequence change replaces asparagine, which is neutral and polar, with aspartic acid, which is acidic and polar, at codon 36 of the PTS protein (p.Asn36Asp). This variant is present in population databases (no rsID available, gnomAD 0.002%). This variant has not been reported in the literature in individuals affected with PTS-related conditions. Algorithms developed to predict the effect of missense changes on protein structure and function are either unavailable or do not agree on the potential impact of this missense change (SIFT: "Deleterious"; PolyPhen-2: "Probably Damaging"; Align-GVGD: "Class C15"). This variant disrupts the p.Asn36 amino acid residue in PTS. Other variant(s) that disrupt this residue have been determined to be pathogenic (PMID: 10089284). This suggests that this residue is clinically significant, and that variants that disrupt this residue are likely to be disease-causing. In summary, the available evidence is currently insufficient to determine the role of this variant in disease. Therefore, it has been classified as a Variant of Uncertain Significance.

Literature cited by the submitters: PubMed 10089284.

NM_000317.3(PTS):c.106A>G (p.Asn36Asp)

Gene: PTS (6-pyruvoyltetrahydropterin synthase; plus strand). Cytogenetic location: 11q23.1.
Variant type: single nucleotide variant.
Coding change: c.106A>G on transcript NM_000317.3 (MANE Select); coding-DNA position 106, A replaced by G.
Protein change: p.Asn36Asp; replaces asparagine 36 with aspartic acid.
Molecular consequence: missense variant.
Genome position (GRCh38, 1-based): chr11:112,228,616, A>G. VCF-style: chr11-112228616-A-G. GRCh37 (hg19) VCF-style: chr11-112099339-A-G.
Other names: short protein forms N36D.
Identifiers: ClinVar variation 1519030 (VCV001519030.6), dbSNP rs1374807422, ClinGen allele CA382626992.
Genomic context (GRCh38, chr11:112,228,616, plus strand): 5'-CTTGTGTCATGCTGACTTTTTTTTTTTTTTTTGGTCAGTAAATTTCTAAGTGATGAAGAA[A>G]ACTTGAAACTGTTTGGGAAATGCAACAATCCAAATGGCCATGGGCACAATTATAAAGGTG-3'
Protein context (NP_000308.1, residues 26-46): LYSKFLSDEE[Asn36Asp]LKLFGKCNNP